The following is an entry in ClinVar:

NM_005458.8(GABBR2):c.2010C>T (p.Phe670=)

Gene: GABBR2 (gamma-aminobutyric acid type B receptor subunit 2; minus strand). Cytogenetic location: 9q22.33.
Variant type: single nucleotide variant.
Coding change: c.2010C>T on transcript NM_005458.8 (MANE Select); coding-DNA position 2010, C replaced by T.
Protein change: p.Phe670=; no amino-acid change (phenylalanine 670 retained).
Molecular consequence: synonymous variant.
Genome position (GRCh38, 1-based): chr9:98,306,340, G>A on the plus strand (C>T on the coding strand, the complement: GABBR2 is on the minus strand). VCF-style: chr9-98306340-G-A. GRCh37 (hg19) VCF-style: chr9-101068622-G-A.
Identifiers: ClinVar variation 2990577 (VCV002990577.3), dbSNP rs950764173, ClinGen allele CA196779200.
Genomic context (GRCh38, chr9:98,306,340, plus strand): 5'-CTTGCTGTCGTTGAGTGCGGGGATGCTGACGTTGCGGGTCTCCCAAGCTAAGAAACAACC[G>A]AACAACTGAAATGGTGAACAGAAAGGGGAGAGATGATCGTTACCAAGGGGTGGCACACAC-3'
Protein context (NP_005449.5, residues 660-680): VYAYKGLLML[Phe670=]GCFLAWETRN

ClinVar aggregate classification (germline): Uncertain significance (1 of 4 stars; one submission).

Conditions:
Epileptic encephalopathy. Identifiers: MedGen C0543888, HP:0200134.

Allele frequency attached by ClinVar (database versions not stated): gnomAD exomes below 0.00001; TOPMed below 0.00001.
gnomAD v4.1: 3 of 1,610,904 alleles (0.00019%); highest among the groups gnomAD compares: Admixed American, 0.0033%; no homozygotes.

Submission:

Labcorp Genetics (formerly Invitae), Labcorp
Classification: Uncertain significance for Epileptic encephalopathy. Last evaluated: 2025-08-19. Review status: criteria provided, single submitter. Criteria: Invitae Variant Classification Sherloc (09022015). Collection method: clinical testing. Allele origin: germline.
Comment: This sequence change affects codon 670 of the GABBR2 mRNA. It is a 'silent' change, meaning that it does not change the encoded amino acid sequence of the GABBR2 protein. The frequency data for this variant in the population databases is considered unreliable, as metrics indicate poor data quality at this position in the gnomAD database. This variant has not been reported in the literature in individuals affected with GABBR2-related conditions. ClinVar contains an entry for this variant (Variation ID: 2990577). Algorithms developed to predict the effect of sequence changes on RNA splicing suggest that this variant may create or strengthen a splice site. In summary, the available evidence is currently insufficient to determine the role of this variant in disease. Therefore, it has been classified as a Variant of Uncertain Significance.